The following is an entry in ClinVar:

ClinVar aggregate classification (germline): Benign/Likely benign. Review status: criteria provided, multiple submitters, no conflicts (2 of 4 stars). 4 submissions from 4 submitters: Benign (2); Likely benign (1). 1 of the submissions does not count toward it. Last evaluated 2025-10-29.

Conditions:
MYOM1-related disorder.
Hypertrophic cardiomyopathy. Also called: HYPERTROPHIC MYOCARDIOPATHY. Identifiers: Orphanet 217569, MedGen C0007194, MeSH D002312, MONDO:0005045, HP:0001639.

Allele frequency attached by ClinVar (database versions not stated): gnomAD below 0.00001 and 0.00013; TOPMed 0.00005; 1000 Genomes Project 30x 0.00016; 1000 Genomes Project 0.00020; gnomAD exomes 0.00074; ExAC 0.00080.
gnomAD v4.1: 555 of 1,613,278 alleles (0.034%); highest among the groups gnomAD compares: South Asian, 0.59%; 4 homozygotes.

Submissions (4):

Labcorp Genetics (formerly Invitae), Labcorp
Classification: Benign for Hypertrophic cardiomyopathy. Last evaluated: 2025-10-29. Review status: criteria provided, single submitter. Criteria: Invitae Variant Classification Sherloc (09022015). Collection method: clinical testing. Allele origin: germline.

Ambry Genetics
Classification: Likely benign. Last evaluated: 2022-12-12. Review status: criteria provided, single submitter. Criteria: Ambry Variant Classification Scheme 2023. Collection method: clinical testing. Allele origin: germline.

Laboratory for Molecular Medicine, Mass General Brigham Personalized Medicine
Classification: Benign. Last evaluated: 2015-06-11. Review status: criteria provided, single submitter. Criteria: LMM Criteria. Collection method: clinical testing. Allele origin: germline. Observed: 1 variant allele.
Comment: p.Val308Val in exon 5 of MYOM1: This variant is not expected to have clinical si gnificance because it has been identified in 0.6% (94/16498) of South Asian chro mosomes by the Exome Aggregation Consortium (ExAC, g; dbSNP rs536739408).

PreventionGenetics, part of Exact Sciences
Classification: Likely benign for MYOM1-related condition. Last evaluated: 2020-01-02. Review status: no assertion criteria provided. Collection method: clinical testing. Allele origin: germline. Not counted in ClinVar's aggregate classification.
Comment: This variant is classified as likely benign based on ACMG/AMP sequence variant interpretation guidelines (Richards et al. 2015 PMID: 25741868, with internal and published modifications).

NM_003803.4(MYOM1):c.924C>A (p.Val308=)

Gene: MYOM1 (myomesin 1; minus strand). Cytogenetic location: 18p11.31.
Variant type: single nucleotide variant.
Coding change: c.924C>A on transcript NM_003803.4 (MANE Select); coding-DNA position 924, C replaced by A.
Protein change: p.Val308=; no amino-acid change (valine 308 retained).
Molecular consequence: synonymous variant.
Genome position (GRCh38, 1-based): chr18:3,187,485, G>T on the plus strand (C>A on the coding strand, the complement: MYOM1 is on the minus strand). VCF-style: chr18-3187485-G-T. GRCh37 (hg19) VCF-style: chr18-3187483-G-T.
Other names: c.924C>A, p.Val308= (NM_019856.2).
Identifiers: ClinVar variation 226837 (VCV000226837.16), dbSNP rs536739408, ClinGen allele CA8875132.